The following is an entry in ClinVar:

ClinVar aggregate classification (germline): Conflicting classifications of pathogenicity. Review status: criteria provided, conflicting classifications (1 of 4 stars). 12 submissions from 12 submitters: Uncertain significance (1); Benign (2); Likely benign (6). 3 of the submissions do not count toward it. Last evaluated 2026-08-01.

Conditions:
Early-infantile DEE. Also called: Early infantile epileptic encephalopathy; Ohtahara syndrome; Early infantile epileptic encephalopathy with suppression bursts. Identifiers: Orphanet 1934, MedGen C0393706, MONDO:0800491.
SPTAN1-related disorder. Also called: SPTAN1-related condition; SPTAN1-related disorders.
Inborn genetic diseases. Identifiers: MedGen C0950123, MeSH D030342.
Developmental and epileptic encephalopathy, 5 (DEE5). Identifiers: Orphanet 3451, MedGen C3150731, MONDO:0013277, OMIM 613477.

Allele frequency attached by ClinVar (database versions not stated): TOPMed 0.00026; 1000 Genomes Project 0.00040; 1000 Genomes Project 30x 0.00047.
gnomAD v4.1: 689 of 1,613,906 alleles (0.043%); highest among the groups gnomAD compares: Non-Finnish European, 0.055%; no homozygotes.

Submissions (12):

CeGaT Center for Human Genetics Tuebingen
Classification: Likely benign. Last evaluated: 2026-08-01. Review status: criteria provided, single submitter. Criteria: CeGaT Center For Human Genetics Tuebingen Variant Classification Criteria Version 2. Collection method: clinical testing. Allele origin: germline. Affected: yes. Observed: 7 variant alleles.
Comment: SPTAN1: BP4, BP7

Labcorp Genetics (formerly Invitae), Labcorp
Classification: Likely benign for Early-infantile DEE. Last evaluated: 2026-01-09. Review status: criteria provided, single submitter. Criteria: Invitae Variant Classification Sherloc (09022015). Collection method: clinical testing. Allele origin: germline.

PreventionGenetics, part of Exact Sciences
Classification: Likely benign for SPTAN1-related condition. Last evaluated: 2025-02-03. Review status: criteria provided, single submitter. Criteria: ACMG Guidelines, 2015. Collection method: clinical testing. Allele origin: germline.
Comment: This variant is classified as likely benign based on ACMG/AMP sequence variant interpretation guidelines (Richards et al. 2015 PMID: 25741868, with internal and published modifications).

Blueprint Genetics
Classification: Likely benign. Last evaluated: 2024-11-19. Review status: criteria provided, single submitter. Criteria: ACMG Guidelines, 2015. Collection method: clinical testing. Allele origin: germline.

Genome-Nilou Lab
Classification: Benign for Developmental and epileptic encephalopathy, 5. Last evaluated: 2021-07-15. Review status: criteria provided, single submitter. Criteria: ACMG Guidelines, 2015. Collection method: clinical testing. Allele origin: germline. Affected: no.

Ambry Genetics
Classification: Likely benign for Inborn genetic diseases. Last evaluated: 2016-09-01. Review status: criteria provided, single submitter. Criteria: Ambry Variant Classification Scheme 2023. Collection method: clinical testing. Allele origin: germline.

Eurofins Ntd Llc (ga)
Classification: Uncertain significance. Last evaluated: 2016-07-12. Review status: criteria provided, single submitter. Criteria: EGL Classification Definitions 2015. Collection method: clinical testing. Allele origin: germline. Observed: 1 variant allele, 1 heterozygote.

Genetic Services Laboratory, University of Chicago
Classification: Likely benign. Last evaluated: 2016-06-07. Review status: criteria provided, single submitter. Criteria: ACMG Guidelines, 2015. Collection method: clinical testing. Allele origin: germline. Affected: no.

GeneDx
Classification: Benign. Last evaluated: 2013-07-15. Review status: criteria provided, single submitter. Criteria: GeneDx Variant Classification (06012015). Collection method: clinical testing. Allele origin: germline. Affected: yes.
Comment: This variant is considered likely benign or benign based on one or more of the following criteria: it is a conservative change, it occurs at a poorly conserved position in the protein, it is predicted to be benign by multiple in silico algorithms, and/or has population frequency not consistent with disease.

Clinical Genetics DNA and cytogenetics Diagnostics Lab, Erasmus MC, Erasmus Medical Center
Classification: Likely benign. Review status: no assertion criteria provided. Collection method: clinical testing. Allele origin: germline. Affected: yes. Study: VKGL Data-share Consensus. Not counted in ClinVar's aggregate classification.

Diagnostic Laboratory, Department of Genetics, University Medical Center Groningen
Classification: Likely benign. Review status: no assertion criteria provided. Collection method: clinical testing. Allele origin: germline. Affected: yes. Study: VKGL Data-share Consensus. Not counted in ClinVar's aggregate classification.

Genome Diagnostics Laboratory, University Medical Center Utrecht
Classification: Likely benign. Review status: no assertion criteria provided. Collection method: clinical testing. Allele origin: germline. Affected: yes. Study: VKGL Data-share Consensus. Not counted in ClinVar's aggregate classification.

NM_001130438.3(SPTAN1):c.6498C>T (p.Arg2166=)

Gene: SPTAN1 (spectrin alpha, non-erythrocytic 1; plus strand). Cytogenetic location: 9q34.11.
Variant type: single nucleotide variant.
Coding change: c.6498C>T on transcript NM_001130438.3 (MANE Select); coding-DNA position 6498, C replaced by T.
Protein change: p.Arg2166=; no amino-acid change (arginine 2166 retained).
Molecular consequence: synonymous variant.
Genome position (GRCh38, 1-based): chr9:128,626,609, C>T. VCF-style: chr9-128626609-C-T. GRCh37 (hg19) VCF-style: chr9-131388888-C-T.
Other names: p.R2166R:CGC>CGT; c.6423C>T, p.Arg2141= (NM_001195532.2); c.6498C>T, p.Arg2166= (NM_001363759.2); c.6438C>T, p.Arg2146= (NM_001363765.2); c.6483C>T, p.Arg2161= (NM_003127.4).
Identifiers: ClinVar variation 139309 (VCV000139309.64), dbSNP rs72758823, ClinGen allele CA173591.